The following is an entry in ClinVar:

ClinVar aggregate classification (germline): Conflicting classifications of pathogenicity. Review status: criteria provided, conflicting classifications (1 of 4 stars). 4 submissions from 4 submitters: Uncertain significance (2); Likely benign (2). Last evaluated 2026-01-19.

Conditions:
Multiple gastrointestinal atresias. Also called: Multiple intestinal atresia; FAMILIAL INTESTINAL POLYATRESIA SYNDROME. Identifiers: Orphanet 2300, MedGen C0220744, MONDO:0009465.

Allele frequency attached by ClinVar (database versions not stated): gnomAD exomes 0.00008 and 0.00013; TOPMed 0.00019; ExAC 0.00020; gnomAD 0.00021; ESP Exome Variant Server 0.00038; 1000 Genomes Project 0.00060; 1000 Genomes Project 30x 0.00078.
gnomAD v4.1: 156 of 1,611,568 alleles (0.0097%); highest among the groups gnomAD compares: African/African-American, 0.024%; 1 homozygote.

Submissions (4):

Labcorp Genetics (formerly Invitae), Labcorp
Classification: Uncertain significance for Multiple gastrointestinal atresias. Last evaluated: 2026-01-19. Review status: criteria provided, single submitter. Criteria: Invitae Variant Classification Sherloc (09022015). Collection method: clinical testing. Allele origin: germline.
Comment: This sequence change falls in intron 9 of the TTC7A gene. It does not directly change the encoded amino acid sequence of the TTC7A protein. It affects a nucleotide within the consensus splice site. This variant is present in population databases (rs147621000, gnomAD 0.04%). This variant has not been reported in the literature in individuals affected with TTC7A-related conditions. ClinVar contains an entry for this variant (Variation ID: 849062). Variants that disrupt the consensus splice site are a relatively common cause of aberrant splicing (PMID: 17576681, 9536098). Algorithms developed to predict the effect of sequence changes on RNA splicing suggest that this variant is not likely to affect RNA splicing. In summary, the available evidence is currently insufficient to determine the role of this variant in disease. Therefore, it has been classified as a Variant of Uncertain Significance.

Women's Health and Genetics/Laboratory Corporation of America, LabCorp
Classification: Uncertain significance. Last evaluated: 2025-05-30. Review status: criteria provided, single submitter. Criteria: LabCorp Variant Classification Summary - May 2015. Collection method: clinical testing. Allele origin: germline.

Laboratory of Genetics, Children's Clinical University Hospital Latvia
Classification: Likely benign. Last evaluated: 2025-02-16. Review status: criteria provided, single submitter. Criteria: ACMG Guidelines, 2015. Collection method: clinical testing. Allele origin: germline. Affected: yes.

Blueprint Genetics
Classification: Likely benign. Last evaluated: 2024-10-31. Review status: criteria provided, single submitter. Criteria: ACMG Guidelines, 2015. Collection method: clinical testing. Allele origin: germline.

Literature cited by the submitters: PubMed 17576681 (cited by Labcorp Genetics (formerly Invitae), Labcorp); PubMed 9536098 (cited by Labcorp Genetics (formerly Invitae), Labcorp).

NM_020458.4(TTC7A):c.1203+4C>T

Gene: TTC7A (tetratricopeptide repeat domain 7A; plus strand). Cytogenetic location: 2p21.
Variant type: single nucleotide variant.
Coding change: c.1203+4C>T on transcript NM_020458.4 (MANE Select); 4 bases into the intron after coding-DNA position 1203, C replaced by T.
Molecular consequence: intron variant.
Genome position (GRCh38, 1-based): chr2:47,006,063, C>T. VCF-style: chr2-47006063-C-T. GRCh37 (hg19) VCF-style: chr2-47233202-C-T.
Other names: c.1101+4C>T (NM_001288953.2); c.1203+4C>T (NM_001288951.2); c.141+4C>T (NM_001288955.2).
Identifiers: ClinVar variation 849062 (VCV000849062.13), dbSNP rs147621000, ClinGen allele CA1647534.